The following is an entry in ClinVar:

ClinVar aggregate classification (germline): Uncertain significance. Review status: criteria provided, multiple submitters, no conflicts (2 of 4 stars). 3 submissions from 3 submitters: Uncertain significance (3). Last evaluated 2024-12-12.

Allele frequency attached by ClinVar (database versions not stated): gnomAD exomes 0.00002 and 0.00001; gnomAD 0.00004; ExAC 0.00002; TOPMed 0.00004.
gnomAD v4.1: 36 of 1,602,178 alleles (0.0022%); highest among the groups gnomAD compares: Non-Finnish European, 0.0028%; no homozygotes.

Submissions (3):

Ambry Genetics
Classification: Uncertain significance. Last evaluated: 2024-12-12. Review status: criteria provided, single submitter. Criteria: Ambry Variant Classification Scheme 2023. Collection method: clinical testing. Allele origin: germline.

Labcorp Genetics (formerly Invitae), Labcorp
Classification: Uncertain significance. Last evaluated: 2024-11-21. Review status: criteria provided, single submitter. Criteria: Invitae Variant Classification Sherloc (09022015). Collection method: clinical testing. Allele origin: germline.
Comment: This sequence change replaces isoleucine, which is neutral and non-polar, with threonine, which is neutral and polar, at codon 902 of the PITPNM3 protein (p.Ile902Thr). This variant is present in population databases (rs760812284, gnomAD 0.003%). This variant has not been reported in the literature in individuals affected with PITPNM3-related conditions. ClinVar contains an entry for this variant (Variation ID: 1000923). Invitae Evidence Modeling of protein sequence and biophysical properties (such as structural, functional, and spatial information, amino acid conservation, physicochemical variation, residue mobility, and thermodynamic stability) indicates that this missense variant is not expected to disrupt PITPNM3 protein function with a negative predictive value of 80%. In summary, the available evidence is currently insufficient to determine the role of this variant in disease. Therefore, it has been classified as a Variant of Uncertain Significance.

Blueprint Genetics
Classification: Uncertain significance. Last evaluated: 2024-07-25. Review status: criteria provided, single submitter. Criteria: ACMG Guidelines, 2015. Collection method: clinical testing. Allele origin: germline.

NM_031220.4(PITPNM3):c.2705T>C (p.Ile902Thr)

Gene: PITPNM3 (PITPNM family member 3; minus strand). Cytogenetic location: 17p13.2.
Variant type: single nucleotide variant.
Coding change: c.2705T>C on transcript NM_031220.4 (MANE Select); coding-DNA position 2705, T replaced by C.
Protein change: p.Ile902Thr; replaces isoleucine 902 with threonine.
Molecular consequence: missense variant.
Genome position (GRCh38, 1-based): chr17:6,455,558, A>G on the plus strand (T>C on the coding strand, the complement: PITPNM3 is on the minus strand). VCF-style: chr17-6455558-A-G. GRCh37 (hg19) VCF-style: chr17-6358878-A-G.
Other names: c.2705T>C (NM_031220.3); c.2597T>C, p.Ile866Thr (NM_001165966.2); short protein forms I866T, I902T.
Identifiers: ClinVar variation 1000923 (VCV001000923.9), dbSNP rs760812284, ClinGen allele CA8329041.